The following is an entry in ClinVar:

NM_015346.4(ZFYVE26):c.1973del (p.Pro658fs)

Gene: ZFYVE26 (zinc finger FYVE-type containing 26; minus strand). Cytogenetic location: 14q24.1.
Variant type: Deletion.
Coding change: c.1973del on transcript NM_015346.4 (MANE Select); coding-DNA position 1973, one base deleted (C; older notation c.1973delC).
Protein change: p.Pro658fs; shifts the reading frame from proline 658.
Molecular consequence: frameshift variant.
Genome position (GRCh38, 1-based): chr14:67,798,289, G deleted on the plus strand (C on the coding strand, the reverse complement: ZFYVE26 is on the minus strand); the first of 3 consecutive G bases (chr14:67,798,289-67,798,291); deleting any one gives the same sequence. VCF-style (leftmost placement, unchanged base first): chr14-67798288-TG-T. GRCh37 (hg19) VCF-style: chr14-68265005-TG-T.
Other names: short protein forms P658fs.
Identifiers: ClinVar variation 1375607 (VCV001375607.6), dbSNP rs2140242980, ClinGen allele CA2573150150.

ClinVar aggregate classification (germline): Pathogenic (1 of 4 stars; one submission).

Conditions:
Spastic paraplegia. Identifiers: MedGen C0037772, HP:0001258.

Submission:

Labcorp Genetics (formerly Invitae), Labcorp
Classification: Pathogenic for Spastic paraplegia. Last evaluated: 2021-10-13. Review status: criteria provided, single submitter. Criteria: Invitae Variant Classification Sherloc (09022015). Collection method: clinical testing. Allele origin: germline.
Comment: This sequence change creates a premature translational stop signal (p.Pro658Glnfs*11) in the ZFYVE26 gene. It is expected to result in an absent or disrupted protein product. Loss-of-function variants in ZFYVE26 are known to be pathogenic (PMID: 18394578, 19805727). This variant is not present in population databases (ExAC no frequency). This variant has not been reported in the literature in individuals affected with ZFYVE26-related conditions. For these reasons, this variant has been classified as Pathogenic.

Literature cited by the submitters: PubMed 18394578; PubMed 19805727.